The following is an entry in ClinVar:

NM_001065.4(TNFRSF1A):c.212A>T (p.Asp71Val)

Gene: TNFRSF1A (TNF receptor superfamily member 1A; minus strand). Cytogenetic location: 12p13.31.
Variant type: single nucleotide variant.
Coding change: c.212A>T on transcript NM_001065.4 (MANE Select); coding-DNA position 212, A replaced by T.
Protein change: p.Asp71Val; replaces aspartic acid 71 with valine.
Molecular consequence: missense variant. On other transcripts: 5 prime UTR variant (2), non-coding transcript variant (1).
Genome position (GRCh38, 1-based): chr12:6,333,847, T>A on the plus strand (A>T on the coding strand, the complement: TNFRSF1A is on the minus strand). VCF-style: chr12-6333847-T-A. GRCh37 (hg19) VCF-style: chr12-6443013-T-A.
Other names: c.-113A>T (NM_001346091.2); c.-366A>T (NM_001346092.2); short protein forms D71V.
Identifiers: ClinVar variation 811934 (VCV000811934.12), dbSNP rs1592047919, ClinGen allele CA383550726.
Genomic context (GRCh38, chr12:6,333,847, plus strand): 5'-GCGGTGAAGGAGCCGCTCTCACACTCCCTGCAGTCCGTATCCTGCCCCGGGCCTGGACAG[T>A]CATTGTACAAGTAGGTTCCTGTGAATGGGGCCGCAGAGTTAGGCTGCGGGTGAGAACACA-3'
Protein context (NP_001056.1, residues 61-81): KCHKGTYLYN[Asp71Val]CPGPGQDTDC

ClinVar aggregate classification (germline): Uncertain significance. Review status: criteria provided, multiple submitters, no conflicts (2 of 4 stars). 2 submissions from 2 submitters: Uncertain significance (2). Last evaluated 2022-02-08.

Conditions:
TNF receptor-associated periodic fever syndrome (TRAPS) (FPF). Also called: TNF RECEPTOR-ASSOCIATED PERIODIC SYNDROME; TUMOR NECROSIS FACTOR RECEPTOR-ASSOCIATED PERIODIC SYNDROME; FAMILIAL HIBERNIAN FEVER; TNF receptor 1-associated periodic fever syndrome; TNF Receptor-Associated Periodic Fever Syndrome; Autosomal Dominant Familial Periodic Fever. Identifiers: Orphanet 32960, MedGen C1275126, MONDO:0007727, OMIM 142680.

Submissions (2):

Labcorp Genetics (formerly Invitae), Labcorp
Classification: Uncertain significance for TNF receptor-associated periodic fever syndrome (TRAPS). Last evaluated: 2022-02-08. Review status: criteria provided, single submitter. Criteria: Invitae Variant Classification Sherloc (09022015). Collection method: clinical testing. Allele origin: germline.
Comment: In summary, the available evidence is currently insufficient to determine the role of this variant in disease. Therefore, it has been classified as a Variant of Uncertain Significance. Advanced modeling of protein sequence and biophysical properties (such as structural, functional, and spatial information, amino acid conservation, physicochemical variation, residue mobility, and thermodynamic stability) performed at Invitae indicates that this missense variant is expected to disrupt TNFRSF1A protein function. ClinVar contains an entry for this variant (Variation ID: 811934). This variant has not been reported in the literature in individuals affected with TNFRSF1A-related conditions. This variant is not present in population databases (gnomAD no frequency). This sequence change replaces aspartic acid, which is acidic and polar, with valine, which is neutral and non-polar, at codon 71 of the TNFRSF1A protein (p.Asp71Val).

ARUP Laboratories, Molecular Genetics and Genomics, ARUP Laboratories
Classification: Uncertain significance. Last evaluated: 2019-03-27. Review status: criteria provided, single submitter. Criteria: ARUP Molecular Germline Variant Investigation Process. Collection method: clinical testing. Allele origin: germline.
Comment: The TNFRSF1A c.212A>T; p.Asp71Val variant, to our knowledge, is not reported in the medical literature or gene-specific databases. However, other variants in this codon, p.Asp71del and p.Asp71Glu (also described as Asp42del and Asp42Glu) are reported in the medical literature and gene-specific databases in individuals and families with TNF receptor-associated periodic syndrome (see link to database, Aganna 2003, Nedjai 2011). The p.Asp71Val variant is absent from general population databases (1000 Genomes Project, Exome Variant Server, and Genome Aggregation Database), indicating it is not a common polymorphism. The amino acid at this position is highly conserved and computational algorithms (PolyPhen-2, SIFT) predict this variant is deleterious. Due to limited information, the clinical significance of the variant is uncertain at this time. References: Link to database: Aganna E et al. Heterogeneity among patients with tumor necrosis factor receptor-associated periodic syndrome phenotypes. Arthritis Rheum. 2003 Sep;48(9):2632-44. Nedjai B et al. Differential cytokine secretion results from p65 and c-Rel NF-?B subunit signaling in peripheral blood mononuclear cells of TNF receptor-associated periodic syndrome patients. Cell Immunol. 2011;268(2):55-9.